The following is an entry in ClinVar:

ClinVar aggregate classification (germline): Uncertain significance. Review status: criteria provided, multiple submitters, no conflicts (2 of 4 stars). 2 submissions from 2 submitters: Uncertain significance (2). Last evaluated 2025-08-03.

Conditions:
Cardiovascular phenotype. Identifiers: MedGen CN230736.
Primary dilated cardiomyopathy (DCM). Also called: Dilated Cardiomyopathy. Identifiers: Orphanet 217604, MedGen C0007193, MeSH D002311, MONDO:0005021, HP:0001644. Inheritance: Various modes of inheritance.

Allele frequency attached by ClinVar (database versions not stated): TOPMed below 0.00001; ExAC 0.00001; gnomAD exomes 0.00001; ESP Exome Variant Server 0.00008.
gnomAD v4.1: 9 of 1,610,836 alleles (0.00056%); highest among the groups gnomAD compares: Admixed American, 0.0033%; no homozygotes.

Submissions (2):

Ambry Genetics
Classification: Uncertain significance for Cardiovascular phenotype. Last evaluated: 2025-08-03. Review status: criteria provided, single submitter. Criteria: Ambry Variant Classification Scheme 2023. Collection method: clinical testing. Allele origin: germline.
Comment: The p.Y487C variant (also known as c.1460A>G), located in coding exon 17 of the TXNRD2 gene, results from an A to G substitution at nucleotide position 1460. The tyrosine at codon 487 is replaced by cysteine, an amino acid with highly dissimilar properties. This amino acid position is conserved. In addition, the in silico prediction for this alteration is inconclusive. Since supporting evidence is limited at this time, the clinical significance of this alteration remains unclear.

Labcorp Genetics (formerly Invitae), Labcorp
Classification: Uncertain significance for Primary dilated cardiomyopathy. Last evaluated: 2021-11-26. Review status: criteria provided, single submitter. Criteria: Invitae Variant Classification Sherloc (09022015). Collection method: clinical testing. Allele origin: germline.
Comment: This sequence change replaces tyrosine, which is neutral and polar, with cysteine, which is neutral and slightly polar, at codon 487 of the TXNRD2 protein (p.Tyr487Cys). In summary, the available evidence is currently insufficient to determine the role of this variant in disease. Therefore, it has been classified as a Variant of Uncertain Significance. Algorithms developed to predict the effect of sequence changes on RNA splicing suggest that this variant may create or strengthen a splice site. Algorithms developed to predict the effect of missense changes on protein structure and function are either unavailable or do not agree on the potential impact of this missense change (SIFT: "Tolerated"; PolyPhen-2: "Probably Damaging"; Align-GVGD: "Class C0"). This variant has not been reported in the literature in individuals affected with TXNRD2-related conditions. The frequency data for this variant in the population databases is considered unreliable, as metrics indicate poor data quality at this position in the gnomAD database.

NM_006440.5(TXNRD2):c.1460A>G (p.Tyr487Cys)

Gene: TXNRD2 (thioredoxin reductase 2; minus strand). Cytogenetic location: 22q11.21.
Variant type: single nucleotide variant.
Coding change: c.1460A>G on transcript NM_006440.5 (MANE Select); coding-DNA position 1460, A replaced by G.
Protein change: p.Tyr487Cys; replaces tyrosine 487 with cysteine.
Molecular consequence: missense variant.
Genome position (GRCh38, 1-based): chr22:19,877,220, T>C on the plus strand (A>G on the coding strand, the complement: TXNRD2 is on the minus strand). VCF-style: chr22-19877220-T-C. GRCh37 (hg19) VCF-style: chr22-19864743-T-C.
Other names: c.1457A>G, p.Tyr486Cys (NM_001352300.2); c.1370A>G, p.Tyr457Cys (NM_001352301.2); c.1172A>G, p.Tyr391Cys (NM_001352302.2); short protein forms Y457C, Y486C, Y487C, Y391C.
Identifiers: ClinVar variation 1423755 (VCV001423755.9), dbSNP rs367711380, ClinGen allele CA10103623.